The following is an entry in ClinVar:

ClinVar aggregate classification (germline): Uncertain significance (1 of 4 stars; one submission).

gnomAD v4.1: 3 of 1,612,856 alleles (0.00019%); highest among the groups gnomAD compares: African/African-American, 0.0013%; no homozygotes.

Submission:

Labcorp Genetics (formerly Invitae), Labcorp
Classification: Uncertain significance. Last evaluated: 2025-10-20. Review status: criteria provided, single submitter. Criteria: Invitae Variant Classification Sherloc (09022015). Collection method: clinical testing. Allele origin: germline.
Comment: This sequence change replaces serine, which is neutral and polar, with tryptophan, which is neutral and slightly polar, at codon 25 of the TBX20 protein (p.Ser25Trp). This variant is present in population databases (rs199991861, gnomAD 0.0009%). This variant has not been reported in the literature in individuals affected with TBX20-related conditions. An algorithm developed to predict the effect of missense changes on protein structure and function (PolyPhen-2) suggests that this variant is likely to be disruptive. In summary, the available evidence is currently insufficient to determine the role of this variant in disease. Therefore, it has been classified as a Variant of Uncertain Significance.

NM_001077653.2(TBX20):c.74C>G (p.Ser25Trp)

Gene: TBX20 (T-box transcription factor 20; minus strand). Cytogenetic location: 7p14.2.
Variant type: single nucleotide variant.
Coding change: c.74C>G on transcript NM_001077653.2 (MANE Select); coding-DNA position 74, C replaced by G.
Protein change: p.Ser25Trp; replaces serine 25 with tryptophan.
Molecular consequence: missense variant.
Genome position (GRCh38, 1-based): chr7:35,253,547, G>C on the plus strand (C>G on the coding strand, the complement: TBX20 is on the minus strand). VCF-style: chr7-35253547-G-C. GRCh37 (hg19) VCF-style: chr7-35293158-G-C.
Other names: c.74C>G, p.Ser25Trp (NM_001166220.1); short protein forms S25W.
Identifiers: ClinVar variation 4799573 (VCV004799573.1).
Genomic context (GRCh38, chr7:35,253,547, plus strand): 5'-AACTTACCCAGGGGTTTGATTGTGTTCTCCGTCGCCTCCTTCTCCTTAGAGCCGCCGCTC[G>C]ACATGAGCGCGGCAATGGAGAAGGCGTTGGCCCGAGAGGAGAGTTGGGGCTTGGGGGACG-3'
Protein context (NP_001071121.1, residues 15-35): ANAFSIAALM[Ser25Trp]SGGSKEKEAT